The following is an entry in ClinVar:

ClinVar aggregate classification (germline): Uncertain significance. Review status: criteria provided, multiple submitters, no conflicts (2 of 4 stars). 2 submissions from 2 submitters: Uncertain significance (2). Last evaluated 2025-02-16.

Conditions:
Inborn genetic diseases. Identifiers: MedGen C0950123, MeSH D030342.

Allele frequency attached by ClinVar (database versions not stated): TOPMed 0.00001.

Submissions (2):

Ambry Genetics
Classification: Uncertain significance for Inborn genetic diseases. Last evaluated: 2025-02-16. Review status: criteria provided, single submitter. Criteria: Ambry Variant Classification Scheme 2023. Collection method: clinical testing. Allele origin: germline.
Comment: The p.Y17H variant (also known as c.49T>C), located in coding exon 2 of the ETV6 gene, results from a T to C substitution at nucleotide position 49. The tyrosine at codon 17 is replaced by histidine, an amino acid with similar properties. This amino acid position is conserved. In addition, this alteration is predicted to be tolerated by in silico analysis. Based on the available evidence, the clinical significance of this variant remains unclear.

Labcorp Genetics (formerly Invitae), Labcorp
Classification: Uncertain significance. Last evaluated: 2023-04-09. Review status: criteria provided, single submitter. Criteria: Invitae Variant Classification Sherloc (09022015). Collection method: clinical testing. Allele origin: germline.
Comment: This sequence change replaces tyrosine, which is neutral and polar, with histidine, which is basic and polar, at codon 17 of the ETV6 protein (p.Tyr17His). This variant is not present in population databases (gnomAD no frequency). This variant has not been reported in the literature in individuals affected with ETV6-related conditions. An algorithm developed to predict the effect of missense changes on protein structure and function (PolyPhen-2) suggests that this variant is likely to be disruptive. In summary, the available evidence is currently insufficient to determine the role of this variant in disease. Therefore, it has been classified as a Variant of Uncertain Significance.

NM_001987.5(ETV6):c.49T>C (p.Tyr17His)

Gene: ETV6 (ETS variant transcription factor 6; plus strand). Cytogenetic location: 12p13.2.
Variant type: single nucleotide variant.
Coding change: c.49T>C on transcript NM_001987.5 (MANE Select); coding-DNA position 49, T replaced by C.
Protein change: p.Tyr17His; replaces tyrosine 17 with histidine.
Molecular consequence: missense variant. On other transcripts: intron variant (1).
Genome position (GRCh38, 1-based): chr12:11,752,465, T>C. VCF-style: chr12-11752465-T-C. GRCh37 (hg19) VCF-style: chr12-11905399-T-C.
Other names: c.46T>C, p.Tyr16His (NM_001413913.1); c.22T>C, p.Tyr8His (NM_001413914.1); c.49T>C, p.Tyr17His (NM_001413916.1, NM_001413917.1, NM_001413918.1); c.-101-86675T>C (NM_001413915.1); short protein forms Y16H, Y17H, Y8H.
Identifiers: ClinVar variation 3012575 (VCV003012575.4), dbSNP rs746119985, ClinGen allele CA232546442.